The following is an entry in ClinVar:

ClinVar aggregate classification (germline): Conflicting classifications of pathogenicity. Review status: criteria provided, conflicting classifications (1 of 4 stars). 2 submissions from 2 submitters: Uncertain significance (1); Likely benign (1). Last evaluated 2025-07-17.

Conditions:
Inborn genetic diseases. Identifiers: MedGen C0950123, MeSH D030342.

Allele frequency attached by ClinVar (database versions not stated): gnomAD 0.00003; TOPMed 0.00006; gnomAD exomes 0.00001; ExAC 0.00008; 1000 Genomes Project 30x 0.00016; 1000 Genomes Project 0.00020.
gnomAD v4.1: 17 of 1,592,610 alleles (0.0011%); highest among the groups gnomAD compares: East Asian, 0.036%; no homozygotes.

Submissions (2):

Labcorp Genetics (formerly Invitae), Labcorp
Classification: Likely benign. Last evaluated: 2025-07-17. Review status: criteria provided, single submitter. Criteria: Invitae Variant Classification Sherloc (09022015). Collection method: clinical testing. Allele origin: germline.

Ambry Genetics
Classification: Uncertain significance for Inborn genetic diseases. Last evaluated: 2024-11-20. Review status: criteria provided, single submitter. Criteria: Ambry Variant Classification Scheme 2023. Collection method: clinical testing. Allele origin: germline.
Comment: The p.R33G variant (also known as c.97A>G), located in coding exon 1 of the SAMD9 gene, results from an A to G substitution at nucleotide position 97. The arginine at codon 33 is replaced by glycine, an amino acid with dissimilar properties. This amino acid position is conserved. In addition, this alteration is predicted to be tolerated by in silico analysis. Based on the available evidence, the clinical significance of this variant remains unclear.

NM_017654.4(SAMD9):c.97A>G (p.Arg33Gly)

Gene: SAMD9 (sterile alpha motif domain containing 9; minus strand). Cytogenetic location: 7q21.2.
Variant type: single nucleotide variant.
Coding change: c.97A>G on transcript NM_017654.4 (MANE Select); coding-DNA position 97, A replaced by G.
Protein change: p.Arg33Gly; replaces arginine 33 with glycine.
Molecular consequence: missense variant.
Genome position (GRCh38, 1-based): chr7:93,106,001, T>C on the plus strand (A>G on the coding strand, the complement: SAMD9 is on the minus strand). VCF-style: chr7-93106001-T-C. GRCh37 (hg19) VCF-style: chr7-92735314-T-C.
Other names: c.97A>G, p.Arg33Gly (NM_001193307.2); short protein forms R33G.
Identifiers: ClinVar variation 2536988 (VCV002536988.6), dbSNP rs148617088, ClinGen allele CA4343216.